The following is an entry in ClinVar:

NM_001378454.1(ALMS1):c.10433G>A (p.Arg3478Lys)

Gene: ALMS1 (ALMS1 centrosome and basal body associated protein; plus strand). Cytogenetic location: 2p13.1.
Variant type: single nucleotide variant.
Coding change: c.10433G>A on transcript NM_001378454.1 (MANE Select); coding-DNA position 10433, G replaced by A.
Protein change: p.Arg3478Lys; replaces arginine 3478 with lysine.
Molecular consequence: missense variant.
Genome position (GRCh38, 1-based): chr2:73,572,310, G>A. VCF-style: chr2-73572310-G-A. GRCh37 (hg19) VCF-style: chr2-73799437-G-A.
Other names: c.10436G>A, p.Arg3479Lys (NM_015120.4); short protein forms R3479K, R3478K.
Identifiers: ClinVar variation 1466084 (VCV001466084.4), dbSNP rs893973875, ClinGen allele CA50386134.
Genomic context (GRCh38, chr2:73,572,310, plus strand): 5'-TCTCCTTTTCAGAGTCCGAATGTCATTCAGAATTTGAAAATACTACCCGTTCTGTCTTCA[G>A]GTCAGCAAAGTTTTACATTCATCATCCCGTACACCTACCAAGTGATCAAGATATTTGCCA-3'
Protein context (NP_001365383.1, residues 3468-3488): EFENTTRSVF[Arg3478Lys]SAKFYIHHPV

ClinVar aggregate classification (germline): Uncertain significance. Review status: criteria provided, multiple submitters, no conflicts (2 of 4 stars). 2 submissions from 2 submitters: Uncertain significance (2). Last evaluated 2021-07-13.

Conditions:
Alstrom syndrome (ALMS). Identifiers: Orphanet 64, MedGen C0268425, MONDO:0008763, OMIM 203800.

Allele frequency attached by ClinVar (database versions not stated): gnomAD exomes below 0.00001; gnomAD 0.00001; TOPMed 0.00001.
gnomAD v4.1: 3 of 1,606,586 alleles (0.00019%); highest among the groups gnomAD compares: African/African-American, 0.0027%; no homozygotes.

Submissions (2):

Fulgent Genetics
Classification: Uncertain significance for Alstrom syndrome. Last evaluated: 2021-07-13. Review status: criteria provided, single submitter. Criteria: ACMG Guidelines, 2015. Collection method: clinical testing. Allele origin: unknown.

Labcorp Genetics (formerly Invitae), Labcorp
Classification: Uncertain significance for Alstrom syndrome. Last evaluated: 2021-03-27. Review status: criteria provided, single submitter. Criteria: Invitae Variant Classification Sherloc (09022015). Collection method: clinical testing. Allele origin: germline.
Comment: This sequence change replaces arginine with lysine at codon 3479 of the ALMS1 protein (p.Arg3479Lys). The arginine residue is moderately conserved and there is a small physicochemical difference between arginine and lysine. This variant is not present in population databases (ExAC no frequency). This variant has not been reported in the literature in individuals with ALMS1-related conditions. Experimental studies and prediction algorithms are not available or were not evaluated, and the functional significance of this variant is currently unknown. In summary, the available evidence is currently insufficient to determine the role of this variant in disease. Therefore, it has been classified as a Variant of Uncertain Significance.